The following is an entry in ClinVar:

NM_001042492.3(NF1):c.5669del (p.Gly1890fs)

Gene: NF1 (neurofibromin 1; plus strand). Cytogenetic location: 17q11.2.
Variant type: Deletion.
Coding change: c.5669del on transcript NM_001042492.3 (MANE Select); coding-DNA position 5669, one base deleted (G; older notation c.5669delG).
Protein change: p.Gly1890fs; shifts the reading frame from glycine 1890.
Molecular consequence: frameshift variant.
Genome position (GRCh38, 1-based): chr17:31,330,355, G deleted; the last of 3 consecutive G bases (chr17:31,330,353-31,330,355); deleting any one gives the same sequence. VCF-style (leftmost placement, unchanged base first): chr17-31330352-AG-A. GRCh37 (hg19) VCF-style: chr17-29657370-AG-A.
Other names: c.5606delG (NM_000267.3); c.5606delG, p.Gly1869Alafs (NM_000267.4); short protein forms G1890fs, G1869fs.
Identifiers: ClinVar variation 1995064 (VCV001995064.5), dbSNP rs2508718218, ClinGen allele CA2580093369.

ClinVar aggregate classification (germline): Pathogenic. Review status: criteria provided, multiple submitters, no conflicts (2 of 4 stars). 2 submissions from 2 submitters: Pathogenic (2). Last evaluated 2025-04-14.

Conditions:
Neurofibromatosis, type 1 (NF1). Also called: Neurofibromatosis, type I; Peripheral type neurofibromatosis; NEUROFIBROMATOSIS, TYPE I, SOMATIC; VON RECKLINGHAUSEN DISEASE. Identifiers: Orphanet 636, MedGen C0027831, MONDO:0018975, OMIM 162200. Disease mechanism: loss of function.
Cardiovascular phenotype. Identifiers: MedGen CN230736.
Hereditary cancer-predisposing syndrome. Also called: Hereditary Cancer Syndrome; Tumor predisposition; Hereditary neoplastic syndrome; Neoplastic Syndromes, Hereditary. Identifiers: Orphanet 140162, MedGen C0027672, MeSH D009386, MONDO:0015356.

Submissions (2):

Ambry Genetics
Classification: Pathogenic for Cardiovascular phenotype; Hereditary cancer-predisposing syndrome. Last evaluated: 2025-04-14. Review status: criteria provided, single submitter. Criteria: Ambry Variant Classification Scheme 2023. Collection method: clinical testing. Allele origin: germline.
Comment: The c.5606delG pathogenic mutation, located in coding exon 38 of the NF1 gene, results from a deletion of one nucleotide at nucleotide position 5606, causing a translational frameshift with a predicted alternate stop codon (p.G1869Afs*4). This alteration is expected to result in loss of function by premature protein truncation or nonsense-mediated mRNA decay. As such, this alteration is interpreted as a disease-causing mutation.

Labcorp Genetics (formerly Invitae), Labcorp
Classification: Pathogenic for Neurofibromatosis, type 1. Last evaluated: 2022-05-16. Review status: criteria provided, single submitter. Criteria: Invitae Variant Classification Sherloc (09022015). Collection method: clinical testing. Allele origin: germline.
Comment: For these reasons, this variant has been classified as Pathogenic. This variant has not been reported in the literature in individuals affected with NF1-related conditions. This variant is not present in population databases (gnomAD no frequency). This sequence change creates a premature translational stop signal (p.Gly1869Alafs*4) in the NF1 gene. It is expected to result in an absent or disrupted protein product. Loss-of-function variants in NF1 are known to be pathogenic (PMID: 10712197, 23913538).

Literature cited by the submitters: PubMed 10712197 (cited by Labcorp Genetics (formerly Invitae), Labcorp); PubMed 23913538 (cited by Labcorp Genetics (formerly Invitae), Labcorp).